The following is an entry in ClinVar:

ClinVar aggregate classification (germline): Benign/Likely benign. Review status: criteria provided, multiple submitters, no conflicts (2 of 4 stars). 5 submissions from 5 submitters: Benign (1); Likely benign (4). Last evaluated 2026-06-01.

Conditions:
Charcot-Marie-Tooth disease type 2. Also called: Charcot-Marie-Tooth type 2. Identifiers: Orphanet 64746, MedGen C0270914, MONDO:0018993.
Inborn genetic diseases. Identifiers: MedGen C0950123, MeSH D030342.
Charcot-Marie-Tooth disease axonal type 2N (CMT2N). Also called: Charcot-Marie-Tooth Neuropathy Type 2N; CHARCOT-MARIE-TOOTH DISEASE, AXONAL, AUTOSOMAL DOMINANT, TYPE 2N; CHARCOT-MARIE-TOOTH NEUROPATHY, AXONAL, TYPE 2N. Identifiers: Orphanet 228174, MedGen C2750090, MONDO:0013212, OMIM 613287.

Allele frequency attached by ClinVar (database versions not stated): gnomAD 0.00004 and 0.00006; ESP Exome Variant Server 0.00008; 1000 Genomes Project 30x 0.00016; ExAC 0.00016; TOPMed 0.00016; 1000 Genomes Project 0.00020.
gnomAD v4.1: 257 of 1,614,038 alleles (0.016%); highest among the groups gnomAD compares: East Asian, 0.069%; no homozygotes.

Submissions (5):

CeGaT Center for Human Genetics Tuebingen
Classification: Likely benign. Last evaluated: 2026-06-01. Review status: criteria provided, single submitter. Criteria: CeGaT Center For Human Genetics Tuebingen Variant Classification Criteria Version 2. Collection method: clinical testing. Allele origin: germline. Affected: yes. Observed: 4 variant alleles.
Comment: AARS1: BP4, BP7

Labcorp Genetics (formerly Invitae), Labcorp
Classification: Benign for Charcot-Marie-Tooth disease type 2. Last evaluated: 2025-12-15. Review status: criteria provided, single submitter. Criteria: Invitae Variant Classification Sherloc (09022015). Collection method: clinical testing. Allele origin: germline.

GeneDx
Classification: Likely benign. Last evaluated: 2020-10-26. Review status: criteria provided, single submitter. Criteria: GeneDx Variant Classification Process June 2021. Collection method: clinical testing. Allele origin: germline. Affected: yes.

Ambry Genetics
Classification: Likely benign for Inborn genetic diseases. Last evaluated: 2019-07-11. Review status: criteria provided, single submitter. Criteria: Ambry Variant Classification Scheme 2023. Collection method: clinical testing. Allele origin: germline.

Illumina Laboratory Services, Illumina
Classification: Likely benign for Charcot-Marie-Tooth disease axonal type 2N. Last evaluated: 2018-01-13. Review status: criteria provided, single submitter. Criteria: ICSL Variant Classification Criteria 13 December 2019. Collection method: clinical testing. Allele origin: germline.
Comment: This variant was observed in the ICSL laboratory as part of a predisposition screen in an ostensibly healthy population. It had not been previously curated by ICSL or reported in the Human Gene Mutation Database (HGMD: prior to June 1st, 2018), and was therefore a candidate for classification through an automated scoring system. Utilizing variant allele frequency, disease prevalence and penetrance estimates, and inheritance mode, an automated score was calculated to assess if this variant is too frequent to cause the disease. Based on the score and internal cut-off values, a variant classified as likely benign is not then subjected to further curation. The score for this variant resulted in a classification of likely benign for this disease.

NM_001605.3(AARS1):c.2700G>A (p.Thr900=)

Gene: AARS1 (alanyl-tRNA synthetase 1; minus strand). Cytogenetic location: 16q22.1.
Variant type: single nucleotide variant.
Coding change: c.2700G>A on transcript NM_001605.3 (MANE Select); coding-DNA position 2700, G replaced by A.
Protein change: p.Thr900=; no amino-acid change (threonine 900 retained).
Molecular consequence: synonymous variant.
Genome position (GRCh38, 1-based): chr16:70,253,289, C>T on the plus strand (G>A on the coding strand, the complement: AARS1 is on the minus strand). VCF-style: chr16-70253289-C-T. GRCh37 (hg19) VCF-style: chr16-70287192-C-T.
Identifiers: ClinVar variation 320326 (VCV000320326.49), dbSNP rs140814462, ClinGen allele CA8140309.